The following is an entry in ClinVar:

ClinVar aggregate classification (germline): Uncertain significance (1 of 4 stars; one submission).

Conditions:
Charcot-Marie-Tooth disease type 4. Also called: Charcot-Marie-Tooth disease, type IV; Charcot-Marie-Tooth, Type 4. Identifiers: Orphanet 64749, MedGen C4082197, MONDO:0018995.

Allele frequency attached by ClinVar (database versions not stated): gnomAD exomes below 0.00001 and 0.00001; ExAC 0.00001.
gnomAD v4.1: 8 of 1,605,374 alleles (0.0005%); highest among the groups gnomAD compares: Non-Finnish European, 0.0006%; no homozygotes.

Submission:

Labcorp Genetics (formerly Invitae), Labcorp
Classification: Uncertain significance for Charcot-Marie-Tooth disease type 4. Last evaluated: 2021-10-06. Review status: criteria provided, single submitter. Criteria: Invitae Variant Classification Sherloc (09022015). Collection method: clinical testing. Allele origin: germline.
Comment: This sequence change replaces glycine with arginine at codon 21 of the SBF2 protein (p.Gly21Arg). The glycine residue is weakly conserved and there is a moderate physicochemical difference between glycine and arginine. This variant is present in population databases (rs774844294, ExAC 0.002%). This variant has not been reported in the literature in individuals affected with SBF2-related conditions. Algorithms developed to predict the effect of missense changes on protein structure and function (SIFT, PolyPhen-2, Align-GVGD) all suggest that this variant is likely to be tolerated. In summary, the available evidence is currently insufficient to determine the role of this variant in disease. Therefore, it has been classified as a Variant of Uncertain Significance.

NM_030962.4(SBF2):c.61G>A (p.Gly21Arg)

Gene: SBF2 (SET binding factor 2; minus strand). Cytogenetic location: 11p15.4.
Variant type: single nucleotide variant.
Coding change: c.61G>A on transcript NM_030962.4 (MANE Select); coding-DNA position 61, G replaced by A.
Protein change: p.Gly21Arg; replaces glycine 21 with arginine.
Molecular consequence: missense variant.
Genome position (GRCh38, 1-based): chr11:10,193,982, C>T on the plus strand (G>A on the coding strand, the complement: SBF2 is on the minus strand). VCF-style: chr11-10193982-C-T. GRCh37 (hg19) VCF-style: chr11-10215529-C-T.
Other names: c.61G>A, p.Gly21Arg (NM_001386339.1, NM_001386342.1); short protein forms G21R.
Identifiers: ClinVar variation 946611 (VCV000946611.8), dbSNP rs774844294, ClinGen allele CA5882230.
Genomic context (GRCh38, chr11:10,193,982, plus strand): 5'-AAGGTGTATCATCCCAGTCCTTCTGTGGAAATCTCTGGATTATTTTCCCCAGACCTTCTC[C>T]TGATCCTGTTAATAAAATCAAAGTGAATCATTATTATAGGACACTAAAAACTACAAATAC-3'
Protein context (NP_112224.1, residues 11-31): VGYDHEKPGS[Gly21Arg]EGLGKIIQRF